The following is an entry in ClinVar:

NM_015047.3(EMC1):c.1743C>T (p.Phe581=)

Genes: EMC1-AS1 (EMC1 antisense RNA 1; plus strand), EMC1 (ER membrane protein complex subunit 1; minus strand). Cytogenetic location: 1p36.13.
Variant type: single nucleotide variant.
Coding change: c.1743C>T on transcript NM_015047.3 (MANE Select); coding-DNA position 1743, C replaced by T.
Protein change: p.Phe581=; no amino-acid change (phenylalanine 581 retained).
Molecular consequence: synonymous variant.
Genome position (GRCh38, 1-based): chr1:19,232,663, G>A on the plus strand (C>T on the coding strand, the complement: EMC1 is on the minus strand). VCF-style: chr1-19232663-G-A. GRCh37 (hg19) VCF-style: chr1-19559157-G-A.
Other names: c.1740C>T, p.Phe580= (NM_001271427.2, NM_001271428.2); c.1677C>T, p.Phe559= (NM_001271429.2); c.1752C>T, p.Phe584= (NM_001375820.1); c.1749C>T, p.Phe583= (NM_001375821.1).
Identifiers: ClinVar variation 729549 (VCV000729549.16), dbSNP rs369164696, ClinGen allele CA652508.

ClinVar aggregate classification (germline): Likely benign. Review status: criteria provided, multiple submitters, no conflicts (2 of 4 stars). 5 submissions from 5 submitters: Likely benign (2). 3 of the submissions do not count toward it. Last evaluated 2026-01-21.

Conditions:
EMC1-related disorder. Also called: EMC1-related condition.

Allele frequency attached by ClinVar (database versions not stated): TOPMed 0.00011; ESP Exome Variant Server 0.00015; gnomAD exomes 0.00017 and 0.00021; gnomAD 0.00018 and 0.00019; ExAC 0.00023.
gnomAD v4.1: 326 of 1,614,078 alleles (0.02%); highest among the groups gnomAD compares: Non-Finnish European, 0.026%; no homozygotes.

Submissions (5):

Labcorp Genetics (formerly Invitae), Labcorp
Classification: Likely benign. Last evaluated: 2026-01-21. Review status: criteria provided, single submitter. Criteria: Invitae Variant Classification Sherloc (09022015). Collection method: clinical testing. Allele origin: germline.

Blueprint Genetics
Classification: Likely benign. Last evaluated: 2024-07-18. Review status: criteria provided, single submitter. Criteria: ACMG Guidelines, 2015. Collection method: clinical testing. Allele origin: germline.

PreventionGenetics, part of Exact Sciences
Classification: Likely benign for EMC1-related condition. Last evaluated: 2020-02-19. Review status: no assertion criteria provided. Collection method: clinical testing. Allele origin: germline. Not counted in ClinVar's aggregate classification.
Comment: This variant is classified as likely benign based on ACMG/AMP sequence variant interpretation guidelines (Richards et al. 2015 PMID: 25741868, with internal and published modifications).

Clinical Genetics DNA and cytogenetics Diagnostics Lab, Erasmus MC, Erasmus Medical Center
Classification: Likely benign. Review status: no assertion criteria provided. Collection method: clinical testing. Allele origin: germline. Affected: yes. Study: VKGL Data-share Consensus. Not counted in ClinVar's aggregate classification.

Clinical Genetics, Academic Medical Center
Classification: Benign. Review status: no assertion criteria provided. Collection method: clinical testing. Allele origin: germline. Affected: yes. Study: VKGL Data-share Consensus. Not counted in ClinVar's aggregate classification.